The following is an entry in ClinVar:

NM_024721.5(ZFHX4):c.3190C>G (p.Gln1064Glu)

Gene: ZFHX4 (zinc finger homeobox 4; plus strand). Cytogenetic location: 8q21.13.
Variant type: single nucleotide variant.
Coding change: c.3190C>G on transcript NM_024721.5 (MANE Select); coding-DNA position 3190, C replaced by G.
Protein change: p.Gln1064Glu; replaces glutamine 1064 with glutamic acid.
Molecular consequence: missense variant.
Genome position (GRCh38, 1-based): chr8:76,778,304, C>G. VCF-style: chr8-76778304-C-G. GRCh37 (hg19) VCF-style: chr8-77690540-C-G.
Other names: c.3112C>G, p.Gln1038Glu (NM_001410934.1); short protein forms Q1038E, Q1064E.
Identifiers: ClinVar variation 3900307 (VCV003900307.1).

ClinVar aggregate classification (germline): Uncertain significance (1 of 4 stars; one submission).

Submission:

GeneDx
Classification: Uncertain significance. Last evaluated: 2023-11-17. Review status: criteria provided, single submitter. Criteria: GeneDx Variant Classification Process June 2021. Collection method: clinical testing. Allele origin: germline. Affected: yes.
Comment: Not observed at significant frequency in large population cohorts (gnomAD); In silico analysis supports that this missense variant has a deleterious effect on protein structure/function; Has not been previously published as pathogenic or benign to our knowledge; Variants in candidate genes are classified as variants of uncertain significance in accordance with ACMG guidelines (PMID: 25741868)